The following is an entry in ClinVar:

ClinVar aggregate classification (germline): Uncertain significance (1 of 4 stars; one submission).

Conditions:
Naxos disease (NXD). Also called: WOOLLY HAIR, PALMOPLANTAR KERATODERMA, AND CARDIAC ABNORMALITIES; CARDIOMYOPATHY, ARRHYTHMOGENIC RIGHT VENTRICULAR, WITH SKIN, HAIR, AND NAIL ABNORMALITIES; KERATOSIS PALMOPLANTARIS WITH ARRHYTHMOGENIC CARDIOMYOPATHY; MAL DE NAXOS; PALMOPLANTAR KERATODERMA WITH ARRHYTHMOGENIC RIGHT VENTRICULAR CARDIOMYOPATHY AND WOOLLY HAIR. Identifiers: Orphanet 34217, MedGen C1832600, MONDO:0011017, OMIM 601214.
Arrhythmogenic right ventricular dysplasia 12. Also called: ARRHYTHMOGENIC RIGHT VENTRICULAR DYSPLASIA, FAMILIAL, 12. Identifiers: MedGen C1969081, MONDO:0012684, OMIM 611528.

Allele frequency attached by ClinVar (database versions not stated): TOPMed below 0.00001.

Submission:

Labcorp Genetics (formerly Invitae), Labcorp
Classification: Uncertain significance for Arrhythmogenic right ventricular dysplasia 12; Naxos disease. Last evaluated: 2022-06-14. Review status: criteria provided, single submitter. Criteria: Invitae Variant Classification Sherloc (09022015). Collection method: clinical testing. Allele origin: germline.
Comment: In summary, the available evidence is currently insufficient to determine the role of this variant in disease. Therefore, it has been classified as a Variant of Uncertain Significance. Algorithms developed to predict the effect of missense changes on protein structure and function (SIFT, PolyPhen-2, Align-GVGD) all suggest that this variant is likely to be tolerated. This variant has not been reported in the literature in individuals affected with JUP-related conditions. This variant is not present in population databases (gnomAD no frequency). This sequence change replaces asparagine, which is neutral and polar, with serine, which is neutral and polar, at codon 490 of the JUP protein (p.Asn490Ser).

NM_002230.4(JUP):c.1469A>G (p.Asn490Ser)

Gene: JUP (junction plakoglobin; minus strand). Cytogenetic location: 17q21.2.
Variant type: single nucleotide variant.
Coding change: c.1469A>G on transcript NM_002230.4 (MANE Select); coding-DNA position 1469, A replaced by G.
Protein change: p.Asn490Ser; replaces asparagine 490 with serine.
Molecular consequence: missense variant.
Genome position (GRCh38, 1-based): chr17:41,763,011, T>C on the plus strand (A>G on the coding strand, the complement: JUP is on the minus strand). VCF-style: chr17-41763011-T-C. GRCh37 (hg19) VCF-style: chr17-39919263-T-C.
Other names: c.1469A>G, p.Asn490Ser (NM_001352773.2, NM_001352774.2, NM_001352775.2 and 3 more transcripts); short protein forms N490S.
Identifiers: ClinVar variation 2172252 (VCV002172252.4), dbSNP rs1597801342, ClinGen allele CA399496211.